The following is an entry in ClinVar:

ClinVar aggregate classification (germline): Uncertain significance (1 of 4 stars; one submission).

Conditions:
Charcot-Marie-Tooth disease dominant intermediate B (CMTDIB). Also called: CHARCOT-MARIE-TOOTH NEUROPATHY, DOMINANT INTERMEDIATE B; Charcot-Marie-Tooth disease dominant intermediate 1; CMT DI1; Charcot-Marie-Tooth disease dominant intermediate I. Identifiers: Orphanet 100044, Orphanet 228179, MedGen C1847902, MONDO:0011674, OMIM 606482.

Submission:

Labcorp Genetics (formerly Invitae), Labcorp
Classification: Uncertain significance for Charcot-Marie-Tooth disease dominant intermediate B. Last evaluated: 2022-07-19. Review status: criteria provided, single submitter. Criteria: Invitae Variant Classification Sherloc (09022015). Collection method: clinical testing. Allele origin: germline.
Comment: In summary, the available evidence is currently insufficient to determine the role of this variant in disease. Therefore, it has been classified as a Variant of Uncertain Significance. Algorithms developed to predict the effect of missense changes on protein structure and function are either unavailable or do not agree on the potential impact of this missense change (SIFT: "Deleterious"; PolyPhen-2: "Probably Damaging"; Align-GVGD: "Class C0"). ClinVar contains an entry for this variant (Variation ID: 1478210). This variant has not been reported in the literature in individuals affected with DNM2-related conditions. This variant is not present in population databases (gnomAD no frequency). This sequence change replaces valine, which is neutral and non-polar, with methionine, which is neutral and non-polar, at codon 311 of the DNM2 protein (p.Val311Met).

NM_001005361.3(DNM2):c.931G>A (p.Val311Met)

Gene: DNM2 (dynamin 2; plus strand). Cytogenetic location: 19p13.2.
Variant type: single nucleotide variant.
Coding change: c.931G>A on transcript NM_001005361.3 (MANE Select); coding-DNA position 931, G replaced by A.
Protein change: p.Val311Met; replaces valine 311 with methionine.
Molecular consequence: missense variant.
Genome position (GRCh38, 1-based): chr19:10,786,645, G>A. VCF-style: chr19-10786645-G-A. GRCh37 (hg19) VCF-style: chr19-10897321-G-A.
Other names: c.931G>A, p.Val311Met (NM_001005360.3, NM_001005362.3, NM_001190716.2 and 1 more transcripts); short protein forms V311M.
Identifiers: ClinVar variation 1478210 (VCV001478210.8), dbSNP rs2145978014, ClinGen allele CA404046304.